The following is an entry in ClinVar:

ClinVar aggregate classification (germline): Uncertain significance (1 of 4 stars; one submission).

Submission:

Labcorp Genetics (formerly Invitae), Labcorp
Classification: Uncertain significance. Last evaluated: 2024-08-29. Review status: criteria provided, single submitter. Criteria: Invitae Variant Classification Sherloc (09022015). Collection method: clinical testing. Allele origin: germline.
Comment: This sequence change replaces tyrosine, which is neutral and polar, with cysteine, which is neutral and slightly polar, at codon 167 of the SMAD2 protein (p.Tyr167Cys). This variant is not present in population databases (gnomAD no frequency). This variant has not been reported in the literature in individuals affected with SMAD2-related conditions. Invitae Evidence Modeling of protein sequence and biophysical properties (such as structural, functional, and spatial information, amino acid conservation, physicochemical variation, residue mobility, and thermodynamic stability) indicates that this missense variant is expected to disrupt SMAD2 protein function with a positive predictive value of 80%. In summary, the available evidence is currently insufficient to determine the role of this variant in disease. Therefore, it has been classified as a Variant of Uncertain Significance.

NM_005901.6(SMAD2):c.500A>G (p.Tyr167Cys)

Gene: SMAD2 (SMAD family member 2; minus strand). Cytogenetic location: 18q21.1.
Variant type: single nucleotide variant.
Coding change: c.500A>G on transcript NM_005901.6 (MANE Select); coding-DNA position 500, A replaced by G.
Protein change: p.Tyr167Cys; replaces tyrosine 167 with cysteine.
Molecular consequence: missense variant.
Genome position (GRCh38, 1-based): chr18:47,869,263, T>C on the plus strand (A>G on the coding strand, the complement: SMAD2 is on the minus strand). VCF-style: chr18-47869263-T-C. GRCh37 (hg19) VCF-style: chr18-45395634-T-C.
Other names: c.500A>G, p.Tyr167Cys (NM_001003652.4); c.410A>G, p.Tyr137Cys (NM_001135937.3); short protein forms Y167C, Y137C.
Identifiers: ClinVar variation 2738969 (VCV002738969.3), dbSNP rs2144377669, ClinGen allele CA402501850.